The following is an entry in ClinVar:

NM_001330260.2(SCN8A):c.2186C>G (p.Thr729Ser)

Gene: SCN8A (sodium voltage-gated channel alpha subunit 8; plus strand). Cytogenetic location: 12q13.13.
Variant type: single nucleotide variant.
Coding change: c.2186C>G on transcript NM_001330260.2 (MANE Select); coding-DNA position 2186, C replaced by G.
Protein change: p.Thr729Ser; replaces threonine 729 with serine.
Molecular consequence: missense variant.
Genome position (GRCh38, 1-based): chr12:51,751,409, C>G. VCF-style: chr12-51751409-C-G. GRCh37 (hg19) VCF-style: chr12-52145193-C-G.
Other names: c.2186C>G, p.Thr729Ser (NM_001177984.3, NM_001369788.1, NM_014191.4); short protein forms T729S.
Identifiers: ClinVar variation 2909830 (VCV002909830.3), dbSNP rs979349086, ClinGen allele CA236311203.

ClinVar aggregate classification (germline): Uncertain significance (1 of 4 stars; one submission).

Conditions:
Early-infantile DEE. Also called: Early infantile epileptic encephalopathy; Ohtahara syndrome; Early infantile epileptic encephalopathy with suppression bursts. Identifiers: Orphanet 1934, MedGen C0393706, MONDO:0800491.

Allele frequency attached by ClinVar (database versions not stated): gnomAD exomes below 0.00001.
gnomAD v4.1: 4 of 1,613,970 alleles (0.00025%); highest among the groups gnomAD compares: Non-Finnish European, 0.00034%; no homozygotes.

Submission:

Labcorp Genetics (formerly Invitae), Labcorp
Classification: Uncertain significance for Early-infantile DEE. Last evaluated: 2024-10-15. Review status: criteria provided, single submitter. Criteria: Invitae Variant Classification Sherloc (09022015). Collection method: clinical testing. Allele origin: germline.
Comment: This sequence change replaces threonine, which is neutral and polar, with serine, which is neutral and polar, at codon 729 of the SCN8A protein (p.Thr729Ser). This variant is present in population databases (no rsID available, gnomAD 0.0009%). This variant has not been reported in the literature in individuals affected with SCN8A-related conditions. Invitae Evidence Modeling of protein sequence and biophysical properties (such as structural, functional, and spatial information, amino acid conservation, physicochemical variation, residue mobility, and thermodynamic stability) indicates that this missense variant is not expected to disrupt SCN8A protein function with a negative predictive value of 95%. In summary, the available evidence is currently insufficient to determine the role of this variant in disease. Therefore, it has been classified as a Variant of Uncertain Significance.